The following is an entry in ClinVar:

ClinVar aggregate classification (germline): Uncertain significance (1 of 4 stars; one submission).

Conditions:
Neuroblastoma, susceptibility to, 3. Also called: ALK-Related Neuroblastic Tumor Susceptibility. Identifiers: Orphanet 635, MedGen C2751681, MONDO:0013083, OMIM 613014.

Submission:

Labcorp Genetics (formerly Invitae), Labcorp
Classification: Uncertain significance for Neuroblastoma, susceptibility to, 3. Last evaluated: 2023-04-07. Review status: criteria provided, single submitter. Criteria: Invitae Variant Classification Sherloc (09022015). Collection method: clinical testing. Allele origin: germline.
Comment: This sequence change replaces arginine, which is basic and polar, with serine, which is neutral and polar, at codon 1382 of the ALK protein (p.Arg1382Ser). This variant is not present in population databases (gnomAD no frequency). This variant has not been reported in the literature in individuals affected with ALK-related conditions. An algorithm developed to predict the effect of missense changes on protein structure and function (PolyPhen-2) suggests that this variant is likely to be disruptive. In summary, the available evidence is currently insufficient to determine the role of this variant in disease. Therefore, it has been classified as a Variant of Uncertain Significance.

NM_004304.5(ALK):c.4146G>C (p.Arg1382Ser)

Gene: ALK (ALK receptor tyrosine kinase; minus strand). Cytogenetic location: 2p23.2.
Variant type: single nucleotide variant.
Coding change: c.4146G>C on transcript NM_004304.5 (MANE Select); coding-DNA position 4146, G replaced by C.
Protein change: p.Arg1382Ser; replaces arginine 1382 with serine.
Molecular consequence: missense variant.
Genome position (GRCh38, 1-based): chr2:29,196,788, C>G on the plus strand (G>C on the coding strand, the complement: ALK is on the minus strand). VCF-style: chr2-29196788-C-G. GRCh37 (hg19) VCF-style: chr2-29419654-C-G.
Other names: c.942G>C, p.Arg314Ser (NM_001353765.2); short protein forms R1382S, R314S.
Identifiers: ClinVar variation 2853088 (VCV002853088.3), dbSNP rs1553387973, ClinGen allele CA346464898.